The following is an entry in ClinVar:

ClinVar aggregate classification (germline): Benign (0 of 4 stars; one submission).

Conditions:
DGKD-related disorder. Also called: DGKD-related condition.

Allele frequency attached by ClinVar (database versions not stated): TOPMed 0.00016; gnomAD 0.00056; ExAC 0.00302; 1000 Genomes Project 0.00319; 1000 Genomes Project 30x 0.00344.
gnomAD v4.1: 1,816 of 1,614,030 alleles (0.11%); highest among the groups gnomAD compares: South Asian, 1.9%; 49 homozygotes.

Submission:

PreventionGenetics, part of Exact Sciences
Classification: Benign for DGKD-related condition. Last evaluated: 2019-04-03. Review status: no assertion criteria provided. Collection method: clinical testing. Allele origin: germline.
Comment: This variant is classified as benign based on ACMG/AMP sequence variant interpretation guidelines (Richards et al. 2015 PMID: 25741868, with internal and published modifications).

NM_152879.3(DGKD):c.3101A>G (p.Asn1034Ser)

Gene: DGKD (diacylglycerol kinase delta; plus strand). Cytogenetic location: 2q37.1.
Variant type: single nucleotide variant.
Coding change: c.3101A>G on transcript NM_152879.3 (MANE Select); coding-DNA position 3101, A replaced by G.
Protein change: p.Asn1034Ser; replaces asparagine 1034 with serine.
Molecular consequence: missense variant.
Genome position (GRCh38, 1-based): chr2:233,462,650, A>G. VCF-style: chr2-233462650-A-G. GRCh37 (hg19) VCF-style: chr2-234371296-A-G.
Other names: c.2702A>G, p.Asn901Ser (NM_001377259.1); c.2969A>G, p.Asn990Ser (NM_003648.3); short protein forms N1034S, N901S, N990S.
Identifiers: ClinVar variation 3050125 (VCV003050125.2), dbSNP rs201384247, ClinGen allele CA2175929.